The following is an entry in ClinVar:

ClinVar aggregate classification (germline): Likely pathogenic (1 of 4 stars; one submission).

Conditions:
Osteogenesis imperfecta, perinatal lethal (OI2). Also called: OSTEOGENESIS IMPERFECTA, TYPE II; Osteogenesis imperfecta, dominant perinatal lethal; Osteogenesis imperfecta type 2; VROLIK TYPE OF OSTEOGENESIS IMPERFECTA; OI, TYPE II; OSTEOGENESIS IMPERFECTA CONGENITA. Identifiers: Orphanet 216804, MedGen C0268358, MONDO:0008147, OMIM 166210.

Submission:

Laboratorio de Genetica e Diagnostico Molecular, Hospital Israelita Albert Einstein
Classification: Likely pathogenic for Osteogenesis imperfecta, perinatal lethal. Last evaluated: 2021-04-30. Review status: criteria provided, single submitter. Criteria: ACMG Guidelines, 2015. Collection method: clinical testing. Allele origin: germline. Affected: yes.
Comment: ACMG classification criteria: PM1, PM2, PM5, PP3

NM_000089.4(COL1A2):c.1343G>A (p.Gly448Glu)

Gene: COL1A2 (collagen type I alpha 2 chain; plus strand). Cytogenetic location: 7q21.3.
Variant type: single nucleotide variant.
Coding change: c.1343G>A on transcript NM_000089.4 (MANE Select); coding-DNA position 1343, G replaced by A.
Protein change: p.Gly448Glu; replaces glycine 448 with glutamic acid.
Molecular consequence: missense variant.
Genome position (GRCh38, 1-based): chr7:94,411,147, G>A. VCF-style: chr7-94411147-G-A. GRCh37 (hg19) VCF-style: chr7-94040459-G-A.
Other names: short protein forms G448E.
Identifiers: ClinVar variation 1683603 (VCV001683603.2), dbSNP rs72658116, ClinGen allele CA162922167.